The following is an entry in ClinVar:

ClinVar aggregate classification (germline): Benign/Likely benign. Review status: criteria provided, multiple submitters, no conflicts (2 of 4 stars). 3 submissions from 3 submitters: Benign (1); Likely benign (2). Last evaluated 2025-06-02.

Conditions:
Birt-Hogg-Dube syndrome 1 (BHD1). Also called: FIBROFOLLICULOMAS WITH TRICHODISCOMAS AND ACROCHORDONS. Identifiers: Orphanet 122, MedGen CN375946, MONDO:0800445, OMIM 135150.
Hereditary cancer-predisposing syndrome. Also called: Neoplastic Syndromes, Hereditary; Hereditary neoplastic syndrome; Tumor predisposition; Hereditary Cancer Syndrome. Identifiers: Orphanet 140162, MedGen C0027672, MeSH D009386, MONDO:0015356.
Birt-Hogg-Dube syndrome. Also called: Birt Hogg Dubé syndrome. Identifiers: Orphanet 122, MedGen C0346010, MONDO:0800444.

Allele frequency attached by ClinVar (database versions not stated): gnomAD exomes below 0.00001; gnomAD 0.00001; TOPMed 0.00002.
gnomAD v4.1: 2 of 1,614,068 alleles (0.00012%); highest among the groups gnomAD compares: South Asian, 0.0011%; no homozygotes.

Submissions (3):

Labcorp Genetics (formerly Invitae), Labcorp
Classification: Likely benign for Birt-Hogg-Dube syndrome. Last evaluated: 2025-06-02. Review status: criteria provided, single submitter. Criteria: Invitae Variant Classification Sherloc (09022015). Collection method: clinical testing. Allele origin: germline.

Myriad Genetics, Inc.
Classification: Benign for Birt-Hogg-Dube syndrome 1. Last evaluated: 2024-10-25. Review status: criteria provided, single submitter. Criteria: Myriad Autosomal Dominant, Autosomal Recessive and X-Linked Classification Criteria (2023). Collection method: clinical testing. Allele origin: unknown.
Comment: This variant is considered benign. This variant is a silent/synonymous amino acid change and it is not expected to impact splicing.

Ambry Genetics
Classification: Likely benign for Hereditary cancer-predisposing syndrome. Last evaluated: 2019-09-05. Review status: criteria provided, single submitter. Criteria: Ambry Variant Classification Scheme 2023. Collection method: clinical testing. Allele origin: germline.

NM_144997.7(FLCN):c.1416T>C (p.Pro472=)

Gene: FLCN (folliculin; minus strand). Cytogenetic location: 17p11.2.
Variant type: single nucleotide variant.
Coding change: c.1416T>C on transcript NM_144997.7 (MANE Select); coding-DNA position 1416, T replaced by C.
Protein change: p.Pro472=; no amino-acid change (proline 472 retained).
Molecular consequence: synonymous variant.
Genome position (GRCh38, 1-based): chr17:17,215,201, A>G on the plus strand (T>C on the coding strand, the complement: FLCN is on the minus strand). VCF-style: chr17-17215201-A-G. GRCh37 (hg19) VCF-style: chr17-17118515-A-G.
Other names: c.1416T>C (LRG_325t1); c.1470T>C, p.Pro490= (NM_001353229.2); c.1416T>C, p.Pro472= (NM_001353230.2, NM_001353231.2).
Identifiers: ClinVar variation 530012 (VCV000530012.13), dbSNP rs1420039293, ClinGen allele CA498421247.